The following is an entry in ClinVar:

NM_007294.4(BRCA1):c.4553A>G (p.Gln1518Arg)

Gene: BRCA1 (BRCA1 DNA repair associated; minus strand). Cytogenetic location: 17q21.31.
Variant type: single nucleotide variant.
Coding change: c.4553A>G on transcript NM_007294.4 (MANE Select); coding-DNA position 4553, A replaced by G.
Protein change: p.Gln1518Arg; replaces glutamine 1518 with arginine.
Molecular consequence: missense variant. On other transcripts: non-coding transcript variant (1).
Genome position (GRCh38, 1-based): chr17:43,074,453, T>C on the plus strand (A>G on the coding strand, the complement: BRCA1 is on the minus strand). VCF-style: chr17-43074453-T-C. GRCh37 (hg19) VCF-style: chr17-41226470-T-C.
Other names: c.4424A>G, p.Gln1475Arg (NM_001407941.1, NM_001407689.1, NM_001407681.1 and 6 more transcripts); c.4412A>G, p.Gln1471Arg (NM_001407942.1, NM_007297.4, NM_001407692.1 and 13 more transcripts); c.4409A>G, p.Gln1470Arg (NM_001407943.1, NM_001407944.1, NM_001407734.1 and 21 more transcripts); c.4217A>G, p.Gln1406Arg (NM_001407955.1, NM_001407950.1, NM_001407951.1 and 3 more transcripts); c.4214A>G, p.Gln1405Arg (NM_001407956.1, NM_001407957.1, NM_001407958.1); c.4172A>G, p.Gln1391Arg (NM_001407959.1); c.4169A>G, p.Gln1390Arg (NM_001407960.1, NM_001407962.1); c.4166A>G, p.Gln1389Arg (NM_001407963.1); and 68 more; short protein forms Q1221R, Q1222R, Q1349R, Q1389R, Q1390R, Q1391R, Q1405R, Q1406R.
Identifiers: ClinVar variation 1802916 (VCV001802916.11), dbSNP rs2154013780, ClinGen allele CA10592412.

ClinVar aggregate classification (germline): Conflicting classifications of pathogenicity. Review status: criteria provided, conflicting classifications (1 of 4 stars). 3 submissions from 3 submitters: Uncertain significance (2); Likely benign (1). Last evaluated 2025-12-10.

Conditions:
Familial cancer of breast. Also called: Hereditary breast cancer; hereditary breast carcinoma; BREAST CANCER, FAMILIAL. Identifiers: Orphanet 227535, MedGen C0346153, MONDO:0016419, OMIM 114480. Disease mechanism: loss of function.
Hereditary breast ovarian cancer syndrome. Also called: Hereditary breast and/or ovarian cancer syndrome; BRCA1- and BRCA2-Associated Hereditary Breast and Ovarian Cancer; Hereditary breast and ovarian cancer syndrome; Hereditary breast and ovarian cancer syndrome (HBOC); Hereditary breast and ovarian cancer; Breast and ovarian cancer. Identifiers: Orphanet 145, MedGen C0677776, MeSH D061325, MONDO:0003582. Disease mechanism: loss of function.

Submissions (3):

Department of Clinical Genetics, Copenhagen University Hospital, Rigshospitalet
Classification: Likely benign for Familial cancer of breast. Last evaluated: 2025-12-10. Review status: criteria provided, single submitter. Criteria: ACMG Guidelines, 2015. Collection method: clinical testing. Allele origin: germline.
Comment: The following ACMG criteria has been used: PM2_SUP (not reported in non-founder populations in gnomAD v.2.1 (non-cancer) or v.3.1 (non-cancer)); BP1_strong (SpliceAI ≤0.1)

Center for Genomic Medicine, Rigshospitalet, Copenhagen University Hospital
Classification: Uncertain significance. Last evaluated: 2025-03-04. Review status: criteria provided, single submitter. Criteria: ACMG Guidelines, 2015. Collection method: clinical testing. Allele origin: germline.

Labcorp Genetics (formerly Invitae), Labcorp
Classification: Uncertain significance for Hereditary breast ovarian cancer syndrome. Last evaluated: 2022-06-03. Review status: criteria provided, single submitter. Criteria: Invitae Variant Classification Sherloc (09022015). Collection method: clinical testing. Allele origin: germline.
Comment: This sequence change replaces glutamine, which is neutral and polar, with arginine, which is basic and polar, at codon 1518 of the BRCA1 protein (p.Gln1518Arg). This variant is not present in population databases (gnomAD no frequency). This variant has not been reported in the literature in individuals affected with BRCA1-related conditions. Advanced modeling of protein sequence and biophysical properties (such as structural, functional, and spatial information, amino acid conservation, physicochemical variation, residue mobility, and thermodynamic stability) performed at Invitae indicates that this missense variant is not expected to disrupt BRCA1 protein function. In summary, the available evidence is currently insufficient to determine the role of this variant in disease. Therefore, it has been classified as a Variant of Uncertain Significance.